The following is an entry in ClinVar:

ClinVar aggregate classification (germline): Uncertain significance (1 of 4 stars; one submission).

Conditions:
Dilated cardiomyopathy 1HH (CMD1HH). Identifiers: Orphanet 154, MedGen C3151293, MONDO:0013479, OMIM 613881.
Myofibrillar myopathy 6. Identifiers: Orphanet 199340, MedGen C2751831, MONDO:0013061, OMIM 612954.

Submission:

Labcorp Genetics (formerly Invitae), Labcorp
Classification: Uncertain significance for Dilated cardiomyopathy 1HH; Myofibrillar myopathy 6. Last evaluated: 2024-11-03. Review status: criteria provided, single submitter. Criteria: Invitae Variant Classification Sherloc (09022015). Collection method: clinical testing. Allele origin: germline.
Comment: This sequence change replaces glycine, which is neutral and non-polar, with glutamic acid, which is acidic and polar, at codon 152 of the BAG3 protein (p.Gly152Glu). This variant is not present in population databases (gnomAD no frequency). This variant has not been reported in the literature in individuals affected with BAG3-related conditions. Invitae Evidence Modeling of protein sequence and biophysical properties (such as structural, functional, and spatial information, amino acid conservation, physicochemical variation, residue mobility, and thermodynamic stability) has been performed for this missense variant. However, the output from this modeling did not meet the statistical confidence thresholds required to predict the impact of this variant on BAG3 protein function. In summary, the available evidence is currently insufficient to determine the role of this variant in disease. Therefore, it has been classified as a Variant of Uncertain Significance.

NM_004281.4(BAG3):c.455G>A (p.Gly152Glu)

Gene: BAG3 (BAG cochaperone 3; plus strand). Cytogenetic location: 10q26.11.
Variant type: single nucleotide variant.
Coding change: c.455G>A on transcript NM_004281.4 (MANE Select); coding-DNA position 455, G replaced by A.
Protein change: p.Gly152Glu; replaces glycine 152 with glutamic acid.
Molecular consequence: missense variant.
Genome position (GRCh38, 1-based): chr10:119,670,125, G>A. VCF-style: chr10-119670125-G-A. GRCh37 (hg19) VCF-style: chr10-121429637-G-A.
Other names: short protein forms G152E.
Identifiers: ClinVar variation 3754279 (VCV003754279.2).
Genomic context (GRCh38, chr10:119,670,125, plus strand): 5'-AGAGGTCCCAGTCACCTCTGCGGGGCATGCCAGAAACCACTCAGCCAGATAAACAGTGTG[G>A]ACAGGTGGCAGCGGCGGCGGCAGCCCAGCCCCCAGCCTCCCACGGACCTGAGGTAAGGAG-3'
Protein context (NP_004272.2, residues 142-162): PETTQPDKQC[Gly152Glu]QVAAAAAAQP